The following is an entry in ClinVar:

NM_001684.5(ATP2B4):c.19C>A (p.Arg7Ser)

Gene: ATP2B4 (ATPase plasma membrane Ca2+ transporting 4; plus strand). Cytogenetic location: 1q32.1.
Variant type: single nucleotide variant.
Coding change: c.19C>A on transcript NM_001684.5 (MANE Select); coding-DNA position 19, C replaced by A.
Protein change: p.Arg7Ser; replaces arginine 7 with serine.
Molecular consequence: missense variant.
Genome position (GRCh38, 1-based): chr1:203,683,224, C>A. VCF-style: chr1-203683224-C-A. GRCh37 (hg19) VCF-style: chr1-203652352-C-A.
Other names: c.19C>A, p.Arg7Ser (NM_001001396.3, NM_001365783.2, NM_001365784.2); short protein forms R7S.
Identifiers: ClinVar variation 705092 (VCV000705092.11), dbSNP rs146234576, ClinGen allele CA1341279.

ClinVar aggregate classification (germline): Benign. Review status: criteria provided, single submitter (1 of 4 stars). 2 submissions from 2 submitters: Benign (1). 1 of the submissions does not count toward it. Last evaluated 2026-01-06.

Conditions:
ATP2B4-related disorder. Also called: ATP2B4-related condition.

Allele frequency attached by ClinVar (database versions not stated): TOPMed 0.00186; 1000 Genomes Project 30x 0.00500; 1000 Genomes Project 0.00519.
gnomAD v4.1: 3,727 of 1,613,910 alleles (0.23%); highest among the groups gnomAD compares: East Asian, 1.9%; 65 homozygotes.

Submissions (2):

Labcorp Genetics (formerly Invitae), Labcorp
Classification: Benign. Last evaluated: 2026-01-06. Review status: criteria provided, single submitter. Criteria: Invitae Variant Classification Sherloc (09022015). Collection method: clinical testing. Allele origin: germline.

PreventionGenetics, part of Exact Sciences
Classification: Benign for ATP2B4-related condition. Last evaluated: 2019-02-22. Review status: no assertion criteria provided. Collection method: clinical testing. Allele origin: germline. Not counted in ClinVar's aggregate classification.
Comment: This variant is classified as benign based on ACMG/AMP sequence variant interpretation guidelines (Richards et al. 2015 PMID: 25741868, with internal and published modifications).